The following is an entry in ClinVar:

NM_013444.4(UBQLN2):c.846C>A (p.Ala282=)

Gene: UBQLN2 (ubiquilin 2; plus strand). Cytogenetic location: Xp11.21.
Variant type: single nucleotide variant.
Coding change: c.846C>A on transcript NM_013444.4 (MANE Select); coding-DNA position 846, C replaced by A.
Protein change: p.Ala282=; no amino-acid change (alanine 282 retained).
Molecular consequence: synonymous variant.
Genome position (GRCh38, 1-based): chrX:56,564,719, C>A. VCF-style: chrX-56564719-C-A. GRCh37 (hg19) VCF-style: chrX-56591152-C-A.
Identifiers: ClinVar variation 3635062 (VCV003635062.2).

ClinVar aggregate classification (germline): Uncertain significance (1 of 4 stars; one submission).

Conditions:
Amyotrophic lateral sclerosis type 15. Also called: AMYOTROPHIC LATERAL SCLEROSIS 15 WITH FRONTOTEMPORAL DEMENTIA. Identifiers: Orphanet 803, MedGen C3275459, MONDO:0010459, OMIM 300857.

gnomAD v4.1: 3 of 1,209,522 alleles (0.00025%); highest among the groups gnomAD compares: South Asian, 0.0018%; no homozygotes.

Submission:

Labcorp Genetics (formerly Invitae), Labcorp
Classification: Uncertain significance for Amyotrophic lateral sclerosis type 15. Last evaluated: 2024-06-04. Review status: criteria provided, single submitter. Criteria: Invitae Variant Classification Sherloc (09022015). Collection method: clinical testing. Allele origin: germline.
Comment: This sequence change affects codon 282 of the UBQLN2 mRNA. It is a 'silent' change, meaning that it does not change the encoded amino acid sequence of the UBQLN2 protein. This variant is not present in population databases (gnomAD no frequency). This variant has not been reported in the literature in individuals affected with UBQLN2-related conditions. In summary, the available evidence is currently insufficient to determine the role of this variant in disease. Therefore, it has been classified as a Variant of Uncertain Significance.